The following is an entry in ClinVar:

ClinVar aggregate classification (germline): Uncertain significance. Review status: criteria provided, multiple submitters, no conflicts (2 of 4 stars). 2 submissions from 2 submitters: Uncertain significance (2). Last evaluated 2025-03-17.

Allele frequency attached by ClinVar (database versions not stated): gnomAD exomes below 0.00001; ExAC 0.00001; TOPMed 0.00001; gnomAD 0.00002; ESP Exome Variant Server 0.00008.
gnomAD v4.1: 7 of 1,612,742 alleles (0.00043%); highest among the groups gnomAD compares: African/African-American, 0.0027%; no homozygotes.

Submissions (2):

Labcorp Genetics (formerly Invitae), Labcorp
Classification: Uncertain significance. Last evaluated: 2025-03-17. Review status: criteria provided, single submitter. Criteria: Invitae Variant Classification Sherloc (09022015). Collection method: clinical testing. Allele origin: germline.
Comment: This sequence change replaces glutamic acid, which is acidic and polar, with lysine, which is basic and polar, at codon 826 of the PDE6B protein (p.Glu826Lys). This variant is present in population databases (rs368110918, gnomAD 0.004%). This variant has not been reported in the literature in individuals affected with PDE6B-related conditions. ClinVar contains an entry for this variant (Variation ID: 1025793). An algorithm developed to predict the effect of missense changes on protein structure and function outputs the following: PolyPhen-2: "Benign". The lysine amino acid residue is found in multiple mammalian species, which suggests that this missense change does not adversely affect protein function. In summary, the available evidence is currently insufficient to determine the role of this variant in disease. Therefore, it has been classified as a Variant of Uncertain Significance.

Blueprint Genetics
Classification: Uncertain significance. Last evaluated: 2019-09-29. Review status: criteria provided, single submitter. Criteria: ACMG Guidelines, 2015. Collection method: clinical testing. Allele origin: germline.

NM_000283.4(PDE6B):c.2476G>A (p.Glu826Lys)

Gene: PDE6B (phosphodiesterase 6B; plus strand). Cytogenetic location: 4p16.3.
Variant type: single nucleotide variant.
Coding change: c.2476G>A on transcript NM_000283.4 (MANE Select); coding-DNA position 2476, G replaced by A.
Protein change: p.Glu826Lys; replaces glutamic acid 826 with lysine.
Molecular consequence: missense variant. On other transcripts: intron variant (2).
Genome position (GRCh38, 1-based): chr4:667,979, G>A. VCF-style: chr4-667979-G-A. GRCh37 (hg19) VCF-style: chr4-661768-G-A.
Other names: c.2476G>A, p.Glu826Lys (NM_001145291.2); c.1639G>A, p.Glu547Lys (NM_001145292.2, NM_001379246.1, NM_001379247.1); c.1601+38G>A (NM_001350154.3); c.1283+38G>A (NM_001350155.3); short protein forms E547K, E826K.
Identifiers: ClinVar variation 1025793 (VCV001025793.7), dbSNP rs368110918, ClinGen allele CA2795070.